The following is an entry in ClinVar:

NM_000350.3(ABCA4):c.4669_4674del (p.Tyr1557_Gly1558del)

Genes: ABCA4 (ATP binding cassette subfamily A member 4; minus strand), LOC126805793 (CDK7 strongly-dependent group 2 enhancer GRCh37_chr1:94486302-94487501; plus strand). Cytogenetic location: 1p22.1.
Variant type: Deletion.
Coding change: c.4669_4674del on transcript NM_000350.3 (MANE Select); coding-DNA positions 4669 to 4674, 6 bases deleted (TATGGA; older notation c.4669_4674delTATGGA).
Protein change: p.Tyr1557_Gly1558del.
Molecular consequence: inframe deletion. On other transcripts: inframe indel (1).
Genome position (GRCh38, 1-based): chr1:94,021,945-94,021,950, TCCATA deleted on the plus strand (TATGGA on the coding strand, the reverse complement: ABCA4 is on the minus strand). VCF-style (leftmost placement, unchanged base first): chr1-94021944-CTCCATA-C. GRCh37 (hg19) VCF-style: chr1-94487500-CTCCATA-C.
Other names: c.4447_4452delTATGGA, p.Tyr1483_Gly1484del (NM_001425324.1).
Identifiers: ClinVar variation 2705738 (VCV002705738.3), dbSNP rs2523696591, ClinGen allele CA2697552499.

ClinVar aggregate classification (germline): Pathogenic (1 of 4 stars; one submission).

Submission:

Labcorp Genetics (formerly Invitae), Labcorp
Classification: Pathogenic. Last evaluated: 2024-01-03. Review status: criteria provided, single submitter. Criteria: Invitae Variant Classification Sherloc (09022015). Collection method: clinical testing. Allele origin: germline.
Comment: This variant, c.4669_4674del, results in the deletion of 2 amino acid(s) of the ABCA4 protein (p.Tyr1557_Gly1558del), but otherwise preserves the integrity of the reading frame. This variant is not present in population databases (gnomAD no frequency). This variant has not been reported in the literature in individuals affected with ABCA4-related conditions. Algorithms developed to predict the effect of sequence changes on RNA splicing suggest that this variant may disrupt the consensus splice site. This variant disrupts a region of the ABCA4 protein in which other variant(s) (p.Tyr1557Cys) have been determined to be pathogenic (PMID: 23143460, 30653986, 33301772). This suggests that this is a clinically significant region of the protein, and that variants that disrupt it are likely to be disease-causing. For these reasons, this variant has been classified as Pathogenic.

Literature cited by the submitters: PubMed 23143460; PubMed 30653986; PubMed 33301772.